The following is an entry in ClinVar:

ClinVar aggregate classification (germline): Uncertain significance (1 of 4 stars; one submission).

Conditions:
Fibrous dysplasia of jaw (CRBM). Also called: Cherubism. Identifiers: Orphanet 184, MedGen C0008029, MONDO:0007315, OMIM 118400.

gnomAD v4.1: 4 of 1,613,256 alleles (0.00025%); highest among the groups gnomAD compares: Non-Finnish European, 0.00034%; no homozygotes.

Submission:

Labcorp Genetics (formerly Invitae), Labcorp
Classification: Uncertain significance for Fibrous dysplasia of jaw. Last evaluated: 2023-08-15. Review status: criteria provided, single submitter. Criteria: Invitae Variant Classification Sherloc (09022015). Collection method: clinical testing. Allele origin: germline.
Comment: This variant has not been reported in the literature in individuals affected with SH3BP2-related conditions. This variant is not present in population databases (gnomAD no frequency). Advanced modeling of protein sequence and biophysical properties (such as structural, functional, and spatial information, amino acid conservation, physicochemical variation, residue mobility, and thermodynamic stability) performed at Invitae indicates that this missense variant is not expected to disrupt SH3BP2 protein function. This sequence change replaces proline, which is neutral and non-polar, with leucine, which is neutral and non-polar, at codon 295 of the SH3BP2 protein (p.Pro295Leu). In summary, the available evidence is currently insufficient to determine the role of this variant in disease. Therefore, it has been classified as a Variant of Uncertain Significance.

NM_001122681.2(SH3BP2):c.884C>T (p.Pro295Leu)

Gene: SH3BP2 (SH3 domain binding protein 2; plus strand). Cytogenetic location: 4p16.3.
Variant type: single nucleotide variant.
Coding change: c.884C>T on transcript NM_001122681.2 (MANE Select); coding-DNA position 884, C replaced by T.
Protein change: p.Pro295Leu; replaces proline 295 with leucine.
Molecular consequence: missense variant.
Genome position (GRCh38, 1-based): chr4:2,829,790, C>T. VCF-style: chr4-2829790-C-T. GRCh37 (hg19) VCF-style: chr4-2831517-C-T.
Other names: c.968C>T, p.Pro323Leu (NM_001145855.2); c.1055C>T, p.Pro352Leu (NM_001145856.2); c.884C>T, p.Pro295Leu (NM_003023.4); short protein forms P323L, P352L, P295L.
Identifiers: ClinVar variation 2813768 (VCV002813768.3), dbSNP rs768677594, ClinGen allele CA356056317.